The following is an entry in ClinVar:

ClinVar aggregate classification (germline): Uncertain significance (1 of 4 stars; one submission).

gnomAD v4.1: 4 of 1,550,286 alleles (0.00026%); highest among the groups gnomAD compares: African/African-American, 0.0014%; no homozygotes.

Submission:

Labcorp Genetics (formerly Invitae), Labcorp
Classification: Uncertain significance. Last evaluated: 2025-11-23. Review status: criteria provided, single submitter. Criteria: Invitae Variant Classification Sherloc (09022015). Collection method: clinical testing. Allele origin: germline.
Comment: This sequence change replaces serine, which is neutral and polar, with asparagine, which is neutral and polar, at codon 2502 of the ZNF469 protein (p.Ser2502Asn). This variant is not present in population databases (gnomAD no frequency). This variant has not been reported in the literature in individuals affected with ZNF469-related conditions. An algorithm developed to predict the effect of missense changes on protein structure and function outputs the following: PolyPhen-2: "Benign". The asparagine amino acid residue is found in multiple mammalian species, which suggests that this missense change does not adversely affect protein function. In summary, the available evidence is currently insufficient to determine the role of this variant in disease. Therefore, it has been classified as a Variant of Uncertain Significance.

NM_001367624.2(ZNF469):c.7589G>A (p.Ser2530Asn)

Gene: ZNF469 (zinc finger protein 469; plus strand). Cytogenetic location: 16q24.2.
Variant type: single nucleotide variant.
Coding change: c.7589G>A on transcript NM_001367624.2 (MANE Select); coding-DNA position 7589, G replaced by A.
Protein change: p.Ser2530Asn; replaces serine 2530 with asparagine.
Molecular consequence: missense variant.
Genome position (GRCh38, 1-based): chr16:88,435,059, G>A. VCF-style: chr16-88435059-G-A. GRCh37 (hg19) VCF-style: chr16-88501467-G-A.
Other names: short protein forms S2530N.
Identifiers: ClinVar variation 4764216 (VCV004764216.1).
Genomic context (GRCh38, chr16:88,435,059, plus strand): 5'-TGCCTGCTCAGCAGCCTCTAGAGCCCCTAGCCCAAAAGTGCCAGCCGCCCAGGAAGAAAA[G>A]CCACAGGGTGTCTGGGAAGGAGAGACCAAATCACTCACGGGGAGACCCCAGCCACGTCAC-3'
Protein context (NP_001354553.1, residues 2520-2540): AQKCQPPRKK[Ser2530Asn]HRVSGKERPN